The following is an entry in ClinVar:

ClinVar aggregate classification (germline): Uncertain significance (1 of 4 stars; one submission).

Conditions:
Distal hereditary motor neuropathy type 2. Identifiers: Orphanet 139525, MedGen C3711384, MeSH C580044, MONDO:0015352.

gnomAD v4.1: 4 of 1,614,042 alleles (0.00025%); highest among the groups gnomAD compares: Non-Finnish European, 0.00025%; no homozygotes.

Submission:

Labcorp Genetics (formerly Invitae), Labcorp
Classification: Uncertain significance for Distal hereditary motor neuropathy type 2. Last evaluated: 2022-11-24. Review status: criteria provided, single submitter. Criteria: Invitae Variant Classification Sherloc (09022015). Collection method: clinical testing. Allele origin: germline.
Comment: This sequence change replaces arginine, which is basic and polar, with leucine, which is neutral and non-polar, at codon 1083 of the FBXO38 protein (p.Arg1083Leu). This variant is not present in population databases (gnomAD no frequency). This variant has not been reported in the literature in individuals affected with FBXO38-related conditions. Algorithms developed to predict the effect of missense changes on protein structure and function (SIFT, PolyPhen-2, Align-GVGD) all suggest that this variant is likely to be disruptive. In summary, the available evidence is currently insufficient to determine the role of this variant in disease. Therefore, it has been classified as a Variant of Uncertain Significance.

NM_205836.3(FBXO38):c.3473G>T (p.Arg1158Leu)

Gene: FBXO38 (F-box protein 38; plus strand). Cytogenetic location: 5q32.
Variant type: single nucleotide variant.
Coding change: c.3473G>T on transcript NM_205836.3 (MANE Select); coding-DNA position 3473, G replaced by T.
Protein change: p.Arg1158Leu; replaces arginine 1158 with leucine.
Molecular consequence: missense variant.
Genome position (GRCh38, 1-based): chr5:148,442,053, G>T. VCF-style: chr5-148442053-G-T. GRCh37 (hg19) VCF-style: chr5-147821616-G-T.
Other names: c.2738G>T, p.Arg913Leu (NM_001271723.2); c.3248G>T, p.Arg1083Leu (NM_030793.5); short protein forms R1083L, R1158L, R913L.
Identifiers: ClinVar variation 3020423 (VCV003020423.3), dbSNP rs754331887, ClinGen allele CA361661707.
Genomic context (GRCh38, chr5:148,442,053, plus strand): 5'-AAGGACAGCTGTCTGCAGACATCTGTATGGAAACAATAGGAGAGGAAATTTCAGAGATGC[G>T]TCAGATGAAGAAGGGTGTATTTCAGCGAGTAGTGGCAATTTTTATCCACTATTGTGATGT-3'
Protein context (NP_995308.1, residues 1148-1168): ETIGEEISEM[Arg1158Leu]QMKKGVFQRV